The following is an entry in ClinVar:

ClinVar aggregate classification (germline): Likely pathogenic (1 of 4 stars; one submission).

Conditions:
Tuberous sclerosis 2 (TSC2). Identifiers: Orphanet 805, MedGen C1860707, MONDO:0013199, OMIM 613254.

Submission:

Labcorp Genetics (formerly Invitae), Labcorp
Classification: Likely pathogenic for Tuberous sclerosis 2. Last evaluated: 2020-05-22. Review status: criteria provided, single submitter. Criteria: Invitae Variant Classification Sherloc (09022015). Collection method: clinical testing. Allele origin: germline.
Comment: This sequence change replaces threonine with proline at codon 1068 of the TSC2 protein (p.Thr1068Pro). The threonine residue is highly conserved and there is a small physicochemical difference between threonine and proline. This variant is not present in population databases (ExAC no frequency). In summary, the currently available evidence indicates that the variant is pathogenic, but additional data are needed to prove that conclusively. Therefore, this variant has been classified as Likely Pathogenic. Algorithms developed to predict the effect of missense changes on protein structure and function are either unavailable or do not agree on the potential impact of this missense change (SIFT: "Deleterious"; PolyPhen-2: "Probably Damaging"; Align-GVGD: "Class C0"). This variant has been observed in individual(s) with clinical features of tuberous sclerosis complex (PMID: 21520333, Invitae). In at least one individual the variant was observed to be de novo. ClinVar contains an entry for this variant (Variation ID: 406049).

Literature cited by the submitters: PubMed 21520333.

NM_000548.5(TSC2):c.3202A>C (p.Thr1068Pro)

Gene: TSC2 (TSC complex subunit 2; plus strand). Cytogenetic location: 16p13.3.
Variant type: single nucleotide variant.
Coding change: c.3202A>C on transcript NM_000548.5 (MANE Select); coding-DNA position 3202, A replaced by C.
Protein change: p.Thr1068Pro; replaces threonine 1068 with proline.
Molecular consequence: missense variant.
Genome position (GRCh38, 1-based): chr16:2,079,346, A>C. VCF-style: chr16-2079346-A-C. GRCh37 (hg19) VCF-style: chr16-2129347-A-C.
Other names: c.3070A>C, p.Thr1024Pro (NM_001077183.3, NM_001370404.1); c.3202A>C, p.Thr1068Pro (NM_001114382.3); c.2962A>C, p.Thr988Pro (NM_001318827.2); c.2926A>C, p.Thr976Pro (NM_001318829.2); c.2470A>C, p.Thr824Pro (NM_001318831.2); c.3103A>C, p.Thr1035Pro (NM_001318832.2); c.3073A>C, p.Thr1025Pro (NM_001363528.2, NM_001370405.1, NM_021055.3); short protein forms T1068P, T976P, T988P, T1035P, T1024P, T1025P, T824P.
Identifiers: ClinVar variation 406049 (VCV000406049.8), dbSNP rs1060500947, ClinGen allele CA16615089.